The following is an entry in ClinVar:

NM_006035.4(CDC42BPB):c.4353A>G (p.Gln1451=)

Gene: CDC42BPB (CDC42 binding protein kinase beta; minus strand). Cytogenetic location: 14q32.32.
Variant type: single nucleotide variant.
Coding change: c.4353A>G on transcript NM_006035.4 (MANE Select); coding-DNA position 4353, A replaced by G.
Protein change: p.Gln1451=; no amino-acid change (glutamine 1451 retained).
Molecular consequence: synonymous variant.
Genome position (GRCh38, 1-based): chr14:102,943,946, T>C on the plus strand (A>G on the coding strand, the complement: CDC42BPB is on the minus strand). VCF-style: chr14-102943946-T-C. GRCh37 (hg19) VCF-style: chr14-103410283-T-C.
Other names: c.4275A>G, p.Gln1425= (NM_001411054.1).
Identifiers: ClinVar variation 2629830 (VCV002629830.1), dbSNP rs2542755927, ClinGen allele CA488192937.

ClinVar aggregate classification (germline): Uncertain significance (1 of 4 stars; one submission).

Conditions:
CDC42BPB-related disorder.

Submission:

PreventionGenetics, part of Exact Sciences
Classification: Uncertain significance for CDC42BPB-related condition. Last evaluated: 2023-01-05. Review status: criteria provided, single submitter. Criteria: ACMG Guidelines, 2015. Collection method: clinical testing. Allele origin: germline.
Comment: The CDC42BPB c.4353A>G variant is not predicted to result in an amino acid change (p.=). To our knowledge, this variant has not been reported in the literature or in a large population database, indicating this variant is rare. At this time, the clinical significance of this variant is uncertain due to the absence of conclusive functional and genetic evidence.